The following is an entry in ClinVar:

ClinVar aggregate classification (germline): Uncertain significance. Review status: criteria provided, multiple submitters, no conflicts (2 of 4 stars). 2 submissions from 2 submitters: Uncertain significance (2). Last evaluated 2025-09-05.

Conditions:
Familial thoracic aortic aneurysm and aortic dissection (TAAD). Also called: Thoracic aortic aneurysms and dissections. Identifiers: Orphanet 91387, MedGen C4707243, MONDO:0019625.
Ehlers-Danlos syndrome, type 4 (EDSVASC). Also called: Ehlers-Danlos Syndrome Type IV; Ehlers-Danlos syndrome vascular type; Ehlers Danlos syndrome, ecchymotic type; Ehlers Danlos syndrome, arterial type; Ehlers Danlos syndrome, Sack-Barabas type. Identifiers: Orphanet 286, MedGen C0268338, MONDO:0017314, OMIM 130050.

gnomAD v4.1: 1 of 1,613,954 alleles (0.000062%); highest among the groups gnomAD compares: Admixed American, 0.0017%; no homozygotes.

Submissions (2):

Color Diagnostics, LLC DBA Color Health
Classification: Uncertain significance for Familial thoracic aortic aneurysm and aortic dissection. Last evaluated: 2025-09-05. Review status: criteria provided, single submitter. Criteria: ACMG Guidelines, 2015. Collection method: clinical testing. Allele origin: germline.
Comment: This missense variant replaces alanine with threonine at codon 412 of the COL3A1 protein. Computational prediction suggests that this variant may not impact protein structure and function. To our knowledge, functional studies have not been reported for this variant. This variant has not been reported in individuals affected with COL3A1-related disorders in the literature. This variant has not been identified in the general population by the Genome Aggregation Database (gnomAD). The available evidence is insufficient to determine the role of this variant in disease conclusively. Therefore, this variant is classified as a Variant of Uncertain Significance.

All of Us Research Program, National Institutes of Health
Classification: Uncertain significance for Ehlers-Danlos syndrome, type 4. Last evaluated: 2023-08-15. Review status: criteria provided, single submitter. Criteria: ACMG Guidelines, 2015. Collection method: clinical testing. Allele origin: germline. Inheritance: Autosomal dominant inheritance. Observed: 1 variant allele, 1 heterozygote.
Comment: This study involves interpretation of variants in research participants for the purpose of population health screening. Participant phenotype was not available at the time of variant classification. Additional details can be found in publication PMID: 35346344, PMCID: PMC8962531

NM_000090.4(COL3A1):c.1234G>A (p.Ala412Thr)

Gene: COL3A1 (collagen type III alpha 1 chain; plus strand). Cytogenetic location: 2q32.2.
Variant type: single nucleotide variant.
Coding change: c.1234G>A on transcript NM_000090.4 (MANE Select); coding-DNA position 1234, G replaced by A.
Protein change: p.Ala412Thr; replaces alanine 412 with threonine.
Molecular consequence: missense variant.
Genome position (GRCh38, 1-based): chr2:188,994,273, G>A. VCF-style: chr2-188994273-G-A. GRCh37 (hg19) VCF-style: chr2-189858999-G-A.
Other names: short protein forms A412T.
Identifiers: ClinVar variation 3072583 (VCV003072583.2), dbSNP rs768314657, ClinGen allele CA349851416.